The following is an entry in ClinVar:

NM_001374736.1(DST):c.14310+8C>T

Gene: DST (dystonin; minus strand). Cytogenetic location: 6p12.1.
Variant type: single nucleotide variant.
Coding change: c.14310+8C>T on transcript NM_001374736.1 (MANE Select); 8 bases into the intron after coding-DNA position 14310, C replaced by T.
Molecular consequence: intron variant.
Genome position (GRCh38, 1-based): chr6:56,561,300, G>A on the plus strand (C>T on the coding strand, the complement: DST is on the minus strand). VCF-style: chr6-56561300-G-A. GRCh37 (hg19) VCF-style: chr6-56426098-G-A.
Other names: c.7953+8C>T (NM_001144769.5); c.14310+8C>T (NM_001374722.1); c.14337+8C>T (NM_001374734.1); c.7539+8C>T (NM_001144770.2); c.7419+8C>T (NM_001374730.1, NM_001386100.1, NM_183380.4); c.13677+8C>T (NM_001374729.1); c.6441+8C>T (NM_015548.5).
Identifiers: ClinVar variation 3763093 (VCV003763093.2).
Genomic context (GRCh38, chr6:56,561,300, plus strand): 5'-CAGAGCTCCGTTCCAACTGCTAATCCATTCTCTTTCATGTCTTCCATAGGTGCACCCACA[G>A]AATATACCTTATTCTGCTCAACTTGAGTCTTCACAGCTTCAGTATCTGTAGGTGCAGGTG-3'

ClinVar aggregate classification (germline): Uncertain significance (1 of 4 stars; one submission).

Conditions:
Hereditary sensory and autonomic neuropathy type 6. Also called: Neuropathy, hereditary sensory and autonomic, type VI; HSAN VI. Identifiers: Orphanet 314381, MedGen C3539003, MONDO:0013839, OMIM 614653.
Epidermolysis bullosa simplex 3, localized or generalized intermediate, with BP230 deficiency (EBS3). Also called: Epidermolysis bullosa simplex, autosomal recessive 2; Epidermolysis bullosa simplex due to BP230 deficiency. Identifiers: Orphanet 412181, MedGen C3809470, MONDO:0014180, OMIM 615425.

gnomAD v4.1: 3 of 1,607,206 alleles (0.00019%); highest among the groups gnomAD compares: Non-Finnish European, 0.00026%; no homozygotes.

Submission:

Labcorp Genetics (formerly Invitae), Labcorp
Classification: Uncertain significance for Epidermolysis bullosa simplex 3, localized or generalized intermediate, with BP230 deficiency; Hereditary sensory and autonomic neuropathy type 6. Last evaluated: 2024-03-12. Review status: criteria provided, single submitter. Criteria: Invitae Variant Classification Sherloc (09022015). Collection method: clinical testing. Allele origin: germline.
Comment: The DST gene has multiple clinically relevant transcripts. This variant occurs in alternate transcript NM_015548.4, and corresponds to NM_001723.5:c.*54217C>T in the primary transcript. This sequence change falls in intron 38 of the DST gene. It does not directly change the encoded amino acid sequence of the DST protein. This variant is present in population databases (no rsID available, gnomAD 0.001%). This variant has not been reported in the literature in individuals affected with DST-related conditions. In summary, the available evidence is currently insufficient to determine the role of this variant in disease. Therefore, it has been classified as a Variant of Uncertain Significance.